The following is an entry in ClinVar:

NM_003051.4(SLC16A1):c.587G>A (p.Arg196Gln)

Gene: SLC16A1 (solute carrier family 16 member 1; minus strand). Cytogenetic location: 1p13.2.
Variant type: single nucleotide variant.
Coding change: c.587G>A on transcript NM_003051.4 (MANE Select); coding-DNA position 587, G replaced by A.
Protein change: p.Arg196Gln; replaces arginine 196 with glutamine.
Molecular consequence: missense variant.
Genome position (GRCh38, 1-based): chr1:112,917,819, C>T on the plus strand (G>A on the coding strand, the complement: SLC16A1 is on the minus strand). VCF-style: chr1-112917819-C-T. GRCh37 (hg19) VCF-style: chr1-113460441-C-T.
Other names: c.587G>A, p.Arg196Gln (NM_001166496.2); short protein forms R196Q.
Identifiers: ClinVar variation 2814116 (VCV002814116.3), dbSNP rs1347958489, ClinGen allele CA341828650.
Genomic context (GRCh38, chr1:112,917,819, plus strand): 5'-TTCTCAAGGGATGCTTTAGACTTATCTTTCCCTGCCTTGGTTGGCTTGGGCCCGATTGGT[C>T]GCATGAGGGCTCCAGCAACACAGCAGTTTAGTAGCAAGCCCCCAAGAATTAGAAAGCTTC-3'
Protein context (NP_003042.3, residues 186-206): LNCCVAGALM[Arg196Gln]PIGPKPTKAG

ClinVar aggregate classification (germline): Uncertain significance (1 of 4 stars; one submission).

Allele frequency attached by ClinVar (database versions not stated): gnomAD exomes below 0.00001; TOPMed below 0.00001.

Submission:

Labcorp Genetics (formerly Invitae), Labcorp
Classification: Uncertain significance. Last evaluated: 2023-01-28. Review status: criteria provided, single submitter. Criteria: Invitae Variant Classification Sherloc (09022015). Collection method: clinical testing. Allele origin: germline.
Comment: In summary, the available evidence is currently insufficient to determine the role of this variant in disease. Therefore, it has been classified as a Variant of Uncertain Significance. Algorithms developed to predict the effect of missense changes on protein structure and function are either unavailable or do not agree on the potential impact of this missense change (SIFT: "Deleterious"; PolyPhen-2: "Probably Damaging"; Align-GVGD: "Class C0"). This variant has not been reported in the literature in individuals affected with SLC16A1-related conditions. This variant is not present in population databases (gnomAD no frequency). This sequence change replaces arginine, which is basic and polar, with glutamine, which is neutral and polar, at codon 196 of the SLC16A1 protein (p.Arg196Gln).